The following is an entry in ClinVar:

ClinVar aggregate classification (germline): Benign. Review status: criteria provided, multiple submitters, no conflicts (2 of 4 stars). 3 submissions from 3 submitters: Benign (3). Last evaluated 2023-11-12.

Allele frequency attached by ClinVar (database versions not stated): gnomAD 0.31383 and 0.32009; TOPMed 0.31461; ESP Exome Variant Server 0.32443; gnomAD exomes 0.33662; ExAC 0.34058; 1000 Genomes Project 30x 0.37008; 1000 Genomes Project 0.37859.

Submissions (3):

Unidad de Genómica Garrahan, Hospital de Pediatría Garrahan
Classification: Benign. Last evaluated: 2023-11-12. Review status: criteria provided, single submitter. Criteria: ACMG Guidelines, 2015. Collection method: clinical testing. Allele origin: germline. Affected: no. Observed: 45 variant alleles.
Comment: This variant is classified as Benign based on local population frequency. This variant was detected in 47% of patients studied by a panel of primary immunodeficiencies. Number of patients: 45. Only high quality variants are reported.

GeneDx
Classification: Benign. Last evaluated: 2018-06-23. Review status: criteria provided, single submitter. Criteria: GeneDx Variant Classification Process June 2021. Collection method: clinical testing. Allele origin: germline. Affected: yes.

Breakthrough Genomics
Classification: Benign. Review status: criteria provided, single submitter. Criteria: ACMG Guidelines, 2015. Collection method: not provided. Allele origin: germline. Inheritance: Autosomal recessive inheritance. Affected: yes.

NM_000733.4(CD3E):c.86-39T>A

Gene: CD3E (CD3 epsilon subunit of T-cell receptor complex; plus strand). Cytogenetic location: 11q23.3.
Variant type: single nucleotide variant.
Coding change: c.86-39T>A on transcript NM_000733.4 (MANE Select); 39 bases into the intron before coding-DNA position 86, T replaced by A.
Molecular consequence: intron variant.
Genome position (GRCh38, 1-based): chr11:118,312,114, T>A. VCF-style: chr11-118312114-T-A. GRCh37 (hg19) VCF-style: chr11-118182829-T-A.
Identifiers: ClinVar variation 1241608 (VCV001241608.5), dbSNP rs1945765, ClinGen allele CA6301605.